The following is an entry in ClinVar:

ClinVar aggregate classification (germline): Pathogenic (1 of 4 stars; one submission).

Conditions:
Fanconi anemia (FA). Also called: Fanconi's anemia. Identifiers: Orphanet 84, MedGen C0015625, MeSH D005199, MONDO:0019391.

Submission:

Labcorp Genetics (formerly Invitae), Labcorp
Classification: Pathogenic for Fanconi anemia. Last evaluated: 2023-11-13. Review status: criteria provided, single submitter. Criteria: Invitae Variant Classification Sherloc (09022015). Collection method: clinical testing. Allele origin: germline.
Comment: This sequence change creates a premature translational stop signal (p.Val257Glyfs*3) in the FANCA gene. It is expected to result in an absent or disrupted protein product. Loss-of-function variants in FANCA are known to be pathogenic (PMID: 19367192). This variant is not present in population databases (gnomAD no frequency). This variant has not been reported in the literature in individuals affected with FANCA-related conditions. Algorithms developed to predict the effect of sequence changes on RNA splicing suggest that this variant may disrupt the consensus splice site. For these reasons, this variant has been classified as Pathogenic.

Literature cited by the submitters: PubMed 19367192.

NM_000135.4(FANCA):c.770_771del (p.Val257fs)

Gene: FANCA (FA complementation group A; minus strand). Cytogenetic location: 16q24.3.
Variant type: Microsatellite.
Coding change: c.770_771del on transcript NM_000135.4 (MANE Select); coding-DNA positions 770 to 771, 2 bases deleted (TG; older notation c.770_771delTG).
Protein change: p.Val257fs; shifts the reading frame from valine 257.
Molecular consequence: frameshift variant.
Genome position (GRCh38, 1-based): chr16:89,803,280-89,803,281, CA deleted on the plus strand (TG on the coding strand, the reverse complement: FANCA is on the minus strand); deleting any 2 consecutive bases within chr16:89,803,280-89,803,283 gives the same sequence; the c. name uses the placement nearest the transcript's 3' end. VCF-style (leftmost placement, unchanged base first): chr16-89803279-CCA-C. GRCh37 (hg19) VCF-style: chr16-89869687-CCA-C.
Other names: c.770_771del, p.Val257fs (NM_001018112.3, NM_001286167.3); c.674_675del, p.Val225fs (NM_001351830.2); short protein forms V225fs, V257fs.
Identifiers: ClinVar variation 2742860 (VCV002742860.3), dbSNP rs2544322000, ClinGen allele CA2697556031.